The following is an entry in ClinVar:

NM_020911.2(PLXNA4):c.1686G>A (p.Thr562=)

Gene: PLXNA4 (plexin A4; minus strand). Cytogenetic location: 7q32.3.
Variant type: single nucleotide variant.
Coding change: c.1686G>A on transcript NM_020911.2 (MANE Select); coding-DNA position 1686, G replaced by A.
Protein change: p.Thr562=; no amino-acid change (threonine 562 retained).
Molecular consequence: synonymous variant.
Genome position (GRCh38, 1-based): chr7:132,228,388, C>T on the plus strand (G>A on the coding strand, the complement: PLXNA4 is on the minus strand). VCF-style: chr7-132228388-C-T. GRCh37 (hg19) VCF-style: chr7-131913147-C-T.
Other names: c.1686G>A, p.Thr562= (NM_001393897.1).
Identifiers: ClinVar variation 3357068 (VCV003357068.1).

ClinVar aggregate classification (germline): Likely benign (0 of 4 stars; one submission).

Conditions:
PLXNA4-related disorder. Also called: PLXNA4-related condition.

gnomAD v4.1: 53 of 1,613,996 alleles (0.0033%); highest among the groups gnomAD compares: East Asian, 0.0089%; no homozygotes.

Submission:

PreventionGenetics, part of Exact Sciences
Classification: Likely benign for PLXNA4-related condition. Last evaluated: 2023-10-08. Review status: no assertion criteria provided. Collection method: clinical testing. Allele origin: germline.
Comment: This variant is classified as likely benign based on ACMG/AMP sequence variant interpretation guidelines (Richards et al. 2015 PMID: 25741868, with internal and published modifications).